The following is an entry in ClinVar:

NM_015662.3(IFT172):c.3177G>A (p.Lys1059=)

Gene: IFT172 (intraflagellar transport 172; minus strand). Cytogenetic location: 2p23.3.
Variant type: single nucleotide variant.
Coding change: c.3177G>A on transcript NM_015662.3 (MANE Select); coding-DNA position 3177, G replaced by A.
Protein change: p.Lys1059=; no amino-acid change (lysine 1059 retained).
Molecular consequence: synonymous variant.
Genome position (GRCh38, 1-based): chr2:27,457,690, C>T on the plus strand (G>A on the coding strand, the complement: IFT172 is on the minus strand). VCF-style: chr2-27457690-C-T. GRCh37 (hg19) VCF-style: chr2-27680557-C-T.
Other names: c.3111G>A, p.Lys1037= (NM_001410739.1).
Identifiers: ClinVar variation 3357802 (VCV003357802.1).

ClinVar aggregate classification (germline): Likely benign (0 of 4 stars; one submission).

Conditions:
IFT172-related disorder. Also called: IFT172-related disorders; IFT172-related condition.

gnomAD v4.1: 6 of 1,614,122 alleles (0.00037%); highest among the groups gnomAD compares: Non-Finnish European, 0.00042%; no homozygotes.

Submission:

PreventionGenetics, part of Exact Sciences
Classification: Likely benign for IFT172-related condition. Last evaluated: 2021-08-19. Review status: no assertion criteria provided. Collection method: clinical testing. Allele origin: germline.
Comment: This variant is classified as likely benign based on ACMG/AMP sequence variant interpretation guidelines (Richards et al. 2015 PMID: 25741868, with internal and published modifications).